The following is an entry in ClinVar:

NM_001267550.2(TTN):c.42355dup (p.Glu14119fs)

Gene: TTN (titin; minus strand). Cytogenetic location: 2q31.2.
Variant type: Duplication.
Coding change: c.42355dup on transcript NM_001267550.2 (MANE Select); coding-DNA position 42355, one base duplicated (G; older notation c.42355dupG).
Protein change: p.Glu14119fs; shifts the reading frame from glutamic acid 14119.
Molecular consequence: frameshift variant.
Genome position (GRCh38, 1-based): chr2:178,634,426, C duplicated on the plus strand (G on the coding strand, the reverse complement: TTN is on the minus strand). VCF-style (leftmost placement, unchanged base first): chr2-178634425-T-TC. GRCh37 (hg19) VCF-style: chr2-179499152-T-TC.
Other names: c.37432dup, p.Glu12478fs (NM_001256850.1); c.15160dup, p.Glu5054fs (NM_003319.4); c.34651dup, p.Glu11551fs (NM_133378.4); c.15535dup, p.Glu5179fs (NM_133432.3); c.15736dup, p.Glu5246fs (NM_133437.4); short protein forms E12478fs, E5054fs, E5179fs, E11551fs, E14119fs, E5246fs.
Identifiers: ClinVar variation 2952958 (VCV002952958.3), dbSNP rs2471546069, ClinGen allele CA2740096357.

ClinVar aggregate classification (germline): Uncertain significance (1 of 4 stars; one submission).

Conditions:
Autosomal recessive limb-girdle muscular dystrophy type 2J (LGMDR10). Also called: Limb-girdle muscular dystrophy, type 2J; MUSCULAR DYSTROPHY, LIMB-GIRDLE, AUTOSOMAL RECESSIVE 10. Identifiers: Orphanet 140922, MedGen C1837342, MONDO:0012127, OMIM 608807.
Dilated cardiomyopathy 1G (CMD1G). Identifiers: Orphanet 154, MedGen C1858763, MONDO:0011400, OMIM 604145.

Submission:

Labcorp Genetics (formerly Invitae), Labcorp
Classification: Uncertain significance for Dilated cardiomyopathy 1G; Autosomal recessive limb-girdle muscular dystrophy type 2J. Last evaluated: 2023-10-16. Review status: criteria provided, single submitter. Criteria: Invitae Variant Classification Sherloc (09022015). Collection method: clinical testing. Allele origin: germline.
Comment: This sequence change creates a premature translational stop signal (p.Glu14119Glyfs*7) in the TTN gene. While this is not anticipated to result in nonsense mediated decay, it is expected to create a truncated TTN protein. This variant is not present in population databases (gnomAD no frequency). This variant has not been reported in the literature in individuals affected with TTN-related conditions. This variant is located in the I band of TTN (PMID: 25589632). Truncating variants in this region have been shown to be highly prevalent in the general population and unaffected individuals (PMID: 26701604, 22335739). However, truncating variants in this region have also been reported in individuals affected with autosomal recessive centronuclear myopathy (PMID: 23975875). In summary, the available evidence is currently insufficient to determine the role of this variant in disease. Therefore, it has been classified as a Variant of Uncertain Significance.

Literature cited by the submitters: PubMed 25589632; PubMed 26701604; PubMed 22335739; PubMed 23975875.